The following is an entry in ClinVar:

ClinVar aggregate classification (germline): Uncertain significance. Review status: criteria provided, multiple submitters, no conflicts (2 of 4 stars). 3 submissions from 3 submitters: Uncertain significance (3). Last evaluated 2025-05-23.

Conditions:
Familial ovarian cancer. Identifiers: MedGen C5679802, MONDO:0016248.
Hereditary cancer-predisposing syndrome. Also called: Hereditary neoplastic syndrome; Neoplastic Syndromes, Hereditary; Tumor predisposition; Hereditary Cancer Syndrome. Identifiers: Orphanet 140162, MedGen C0027672, MeSH D009386, MONDO:0015356.
Fanconi anemia complementation group J. Also called: BRIP1-Related Fanconi Anemia. Identifiers: Orphanet 84, MedGen C1836860, MONDO:0012187, OMIM 609054.
Familial cancer of breast. Also called: BREAST CANCER, FAMILIAL; hereditary breast carcinoma; Hereditary breast cancer. Identifiers: Orphanet 227535, MedGen C0346153, MONDO:0016419, OMIM 114480. Disease mechanism: loss of function.

Allele frequency attached by ClinVar (database versions not stated): gnomAD exomes below 0.00001; gnomAD 0.00001.
gnomAD v4.1: 4 of 1,613,262 alleles (0.00025%); highest among the groups gnomAD compares: Non-Finnish European, 0.00034%; no homozygotes.

Submissions (3):

Ambry Genetics
Classification: Uncertain significance for Hereditary cancer-predisposing syndrome. Last evaluated: 2025-05-23. Review status: criteria provided, single submitter. Criteria: Ambry Variant Classification Scheme 2023. Collection method: clinical testing. Allele origin: germline.
Comment: The p.H281N variant (also known as c.841C>A), located in coding exon 6 of the BRIP1 gene, results from a C to A substitution at nucleotide position 841. The histidine at codon 281 is replaced by asparagine, an amino acid with similar properties. This alteration was observed within 1 of 48143 individuals with a personal history of breast cancer (Easton DF et al. J Med Genet, 2016 05;53:298-309). This amino acid position is highly conserved in available vertebrate species. In addition, this alteration is predicted to be tolerated by in silico analysis. Since supporting evidence is limited at this time, the clinical significance of this alteration remains unclear.

Molecular Pathology, Peter Maccallum Cancer Centre
Classification: Uncertain significance for Familial ovarian cancer. Last evaluated: 2025-01-20. Review status: criteria provided, single submitter. Criteria: ACMG Guidelines, 2015. Collection method: clinical testing. Allele origin: germline. Inheritance: Autosomal dominant inheritance.

Labcorp Genetics (formerly Invitae), Labcorp
Classification: Uncertain significance for Familial cancer of breast; Fanconi anemia complementation group J. Last evaluated: 2019-06-04. Review status: criteria provided, single submitter. Criteria: Invitae Variant Classification Sherloc (09022015). Collection method: clinical testing. Allele origin: germline.
Comment: In summary, this variant is a novel missense change with uncertain impact on protein function. It has been classified as a Variant of Uncertain Significance. Algorithms developed to predict the effect of missense changes on protein structure and function do not agree on the potential impact of this missense change (SIFT: "Tolerated"; PolyPhen-2: "Possibly Damaging"; Align-GVGD: "Class C0"). This variant is not present in population databases (ExAC no frequency) and has not been reported in the literature in individuals with a BRIP1-related disease. This sequence change replaces histidine with asparagine at codon 281 of the BRIP1 protein (p.His281Asn). The histidine residue is moderately conserved and there is a small physicochemical difference between histidine and asparagine.

Literature cited by the submitters: PubMed 26921362 (cited by Ambry Genetics).

NM_032043.3(BRIP1):c.841C>A (p.His281Asn)

Gene: BRIP1 (BRCA1 interacting DNA helicase 1; minus strand). Cytogenetic location: 17q23.2.
Variant type: single nucleotide variant.
Coding change: c.841C>A on transcript NM_032043.3 (MANE Select); coding-DNA position 841, C replaced by A.
Protein change: p.His281Asn; replaces histidine 281 with asparagine.
Molecular consequence: missense variant.
Genome position (GRCh38, 1-based): chr17:61,808,544, G>T on the plus strand (C>A on the coding strand, the complement: BRIP1 is on the minus strand). VCF-style: chr17-61808544-G-T. GRCh37 (hg19) VCF-style: chr17-59885905-G-T.
Other names: short protein forms H281N.
Identifiers: ClinVar variation 461185 (VCV000461185.15), dbSNP rs1064795442, ClinGen allele CA400484803.
Genomic context (GRCh38, chr17:61,808,544, plus strand): 5'-ATTCCATGCACTTCTCATTTCTGTTGAAGTTACCGACTACCTCAGGATGGACACAAGTAT[G>T]ATCCCTGCTGGAAAGAATAGTCATTGGAACCCCTGAATATGCCGTCCTCCGGAGCTCTCT-3'
Protein context (NP_114432.2, residues 271-291): VPMTILSSRD[His281Asn]TCVHPEVVGN